The following is an entry in ClinVar:

ClinVar aggregate classification (germline): Uncertain significance (1 of 4 stars; one submission).

Conditions:
Hereditary cancer-predisposing syndrome. Also called: Hereditary neoplastic syndrome; Neoplastic Syndromes, Hereditary; Tumor predisposition; Hereditary Cancer Syndrome. Identifiers: Orphanet 140162, MedGen C0027672, MeSH D009386, MONDO:0015356.

Submission:

Ambry Genetics
Classification: Uncertain significance for Hereditary cancer-predisposing syndrome. Last evaluated: 2025-01-10. Review status: criteria provided, single submitter. Criteria: Ambry Variant Classification Scheme 2023. Collection method: clinical testing. Allele origin: germline.
Comment: The p.M435T variant (also known as c.1304T>C), located in coding exon 6 of the ALK gene, results from a T to C substitution at nucleotide position 1304. The methionine at codon 435 is replaced by threonine, an amino acid with similar properties. This amino acid position is conserved. In addition, the in silico prediction for this alteration is inconclusive. Based on the available evidence, the clinical significance of this variant remains unclear.

NM_004304.5(ALK):c.1304T>C (p.Met435Thr)

Gene: ALK (ALK receptor tyrosine kinase; minus strand). Cytogenetic location: 2p23.2.
Variant type: single nucleotide variant.
Coding change: c.1304T>C on transcript NM_004304.5 (MANE Select); coding-DNA position 1304, T replaced by C.
Protein change: p.Met435Thr; replaces methionine 435 with threonine.
Molecular consequence: missense variant.
Genome position (GRCh38, 1-based): chr2:29,328,460, A>G on the plus strand (T>C on the coding strand, the complement: ALK is on the minus strand). VCF-style: chr2-29328460-A-G. GRCh37 (hg19) VCF-style: chr2-29551326-A-G.
Other names: short protein forms M435T.
Identifiers: ClinVar variation 3855292 (VCV003855292.1).